The following is an entry in ClinVar:

ClinVar aggregate classification (germline): Uncertain significance. Review status: criteria provided, multiple submitters, no conflicts (2 of 4 stars). 2 submissions from 2 submitters: Uncertain significance (2). Last evaluated 2024-09-20.

Conditions:
Inborn genetic diseases. Identifiers: MedGen C0950123, MeSH D030342.

Allele frequency attached by ClinVar (database versions not stated): gnomAD exomes below 0.00001; TOPMed 0.00002; gnomAD 0.00003 and 0.00004.
gnomAD v4.1: 7 of 1,206,574 alleles (0.00058%); highest among the groups gnomAD compares: African/African-American, 0.0052%; no homozygotes.

Submissions (2):

Ambry Genetics
Classification: Uncertain significance for Inborn genetic diseases. Last evaluated: 2024-09-20. Review status: criteria provided, single submitter. Criteria: Ambry Variant Classification Scheme 2023. Collection method: clinical testing. Allele origin: germline.

GeneDx
Classification: Uncertain significance. Last evaluated: 2019-12-27. Review status: criteria provided, single submitter. Criteria: GeneDx Variant Classification Process June 2021. Collection method: clinical testing. Allele origin: germline. Affected: yes.
Comment: The majority of missense variants in this gene are considered pathogenic (Stenson et al., 2014); In silico analysis, which includes protein predictors and evolutionary conservation, supports that this variant does not alter protein structure/function; Has not been previously published as pathogenic or benign to our knowledge

NM_000284.4(PDHA1):c.31G>A (p.Val11Met)

Gene: PDHA1 (pyruvate dehydrogenase E1 subunit alpha 1; plus strand). Cytogenetic location: Xp22.12.
Variant type: single nucleotide variant.
Coding change: c.31G>A on transcript NM_000284.4 (MANE Select); coding-DNA position 31, G replaced by A.
Protein change: p.Val11Met; replaces valine 11 with methionine.
Molecular consequence: missense variant.
Genome position (GRCh38, 1-based): chrX:19,344,068, G>A. VCF-style: chrX-19344068-G-A. GRCh37 (hg19) VCF-style: chrX-19362186-G-A.
Other names: c.31G>A, p.Val11Met (NM_001173454.2, NM_001173455.2, NM_001173456.2); short protein forms V11M.
Identifiers: ClinVar variation 1311576 (VCV001311576.3), dbSNP rs756973583, ClinGen allele CA10362910.